The following is an entry in ClinVar:

NM_018136.5(ASPM):c.6232C>T (p.Arg2078Ter)

Gene: ASPM (assembly factor for spindle microtubules; minus strand). Cytogenetic location: 1q31.3.
Variant type: single nucleotide variant.
Coding change: c.6232C>T on transcript NM_018136.5 (MANE Select); coding-DNA position 6232, C replaced by T.
Protein change: p.Arg2078Ter; replaces arginine 2078 with a stop codon.
Molecular consequence: nonsense. On other transcripts: intron variant (1).
Genome position (GRCh38, 1-based): chr1:197,103,019, G>A on the plus strand (C>T on the coding strand, the complement: ASPM is on the minus strand). VCF-style: chr1-197103019-G-A. GRCh37 (hg19) VCF-style: chr1-197072149-G-A.
Other names: c.4066-6855C>T (NM_001206846.2); short protein forms R2078*.
Identifiers: ClinVar variation 21594 (VCV000021594.12), dbSNP rs199422168, ClinGen allele CA342264.

ClinVar aggregate classification (germline): Pathogenic. Review status: criteria provided, multiple submitters, no conflicts (2 of 4 stars). 6 submissions from 6 submitters: Pathogenic (5). 1 of the submissions does not count toward it. Last evaluated 2025-09-03.

Conditions:
Microcephaly 5, primary, autosomal recessive (MCPH5). Also called: ASPM Primary Microcephaly. Identifiers: Orphanet 2512, MedGen C1837501, MONDO:0012106, OMIM 608716.

Allele frequency attached by ClinVar (database versions not stated): gnomAD 0.00001; gnomAD exomes 0.00001 and 0.00002; ExAC 0.00002; TOPMed 0.00002.
gnomAD v4.1: 17 of 1,611,844 alleles (0.0011%); highest among the groups gnomAD compares: Non-Finnish European, 0.0013%; no homozygotes.

Submissions (6):

Institute of Immunology and Genetics Kaiserslautern
Classification: Pathogenic for Microcephaly 5, primary, autosomal recessive. Last evaluated: 2025-09-03. Review status: criteria provided, single submitter. Criteria: ACMG Guidelines, 2015. Collection method: clinical testing. Allele origin: germline. Affected: yes.
Comment: ACMG Criteria: PVS1, PM2, PM3, PP5; Variant was found in heterozygous state. Variant was forund in compound heterozygous state with ASPM(NM_018136.5):c.7325_7332dup

Genomic Medicine Center of Excellence, King Faisal Specialist Hospital and Research Centre
Classification: Pathogenic for Microcephaly 5, primary, autosomal recessive. Last evaluated: 2024-03-14. Review status: criteria provided, single submitter. Criteria: ACMG Guidelines, 2015. Collection method: research. Allele origin: germline.

Labcorp Genetics (formerly Invitae), Labcorp
Classification: Pathogenic. Last evaluated: 2023-08-04. Review status: criteria provided, single submitter. Criteria: Invitae Variant Classification Sherloc (09022015). Collection method: clinical testing. Allele origin: germline.
Comment: This sequence change creates a premature translational stop signal (p.Arg2078*) in the ASPM gene. It is expected to result in an absent or disrupted protein product. Loss-of-function variants in ASPM are known to be pathogenic (PMID: 19028728, 23611254). ClinVar contains an entry for this variant (Variation ID: 21594). For these reasons, this variant has been classified as Pathogenic. This variant is present in population databases (rs199422168, gnomAD 0.003%). This premature translational stop signal has been observed in individual(s) with primary microcephaly (PMID: 19770472).

Genome-Nilou Lab
Classification: Pathogenic for Microcephaly 5, primary, autosomal recessive. Last evaluated: 2023-04-11. Review status: criteria provided, single submitter. Criteria: ACMG Guidelines, 2015. Collection method: clinical testing. Allele origin: germline. Affected: no.

GeneDx
Classification: Pathogenic. Last evaluated: 2022-12-05. Review status: criteria provided, single submitter. Criteria: GeneDx Variant Classification Process June 2021. Collection method: clinical testing. Allele origin: germline. Affected: yes.
Comment: Observed with another ASPM variant in a patient with microcephaly, but it is not known whether the variants occurred on the same (in cis) or on different (in trans) chromosomes (Passemard et al., 2009); Nonsense variant predicted to result in protein truncation or nonsense mediated decay in a gene for which loss-of-function is a known mechanism of disease; Not observed at a significant frequency in large population cohorts (gnomAD); This variant is associated with the following publications: (PMID: 19770472, 20301772, 28600779, 31589614, 25525159)

GeneReviews
No classification provided. Condition: Microcephaly 5, primary, autosomal recessive. Review status: no classification provided. Collection method: literature only. Allele origin: unknown. Not counted in ClinVar's aggregate classification.

Literature cited by the submitters: PubMed 19028728 (cited by Labcorp Genetics (formerly Invitae), Labcorp); PubMed 23611254 (cited by Labcorp Genetics (formerly Invitae), Labcorp); PubMed 19770472 (cited by Labcorp Genetics (formerly Invitae), Labcorp); PubMed 20301772 (cited by GeneReviews); NCBI Bookshelf NBK9587 (cited by GeneReviews).